The following is an entry in ClinVar:

NM_002241.5(KCNJ10):c.610C>T (p.Arg204Cys)

Gene: KCNJ10 (potassium inwardly rectifying channel subfamily J member 10; minus strand). Cytogenetic location: 1q23.2.
Variant type: single nucleotide variant.
Coding change: c.610C>T on transcript NM_002241.5 (MANE Select); coding-DNA position 610, C replaced by T.
Protein change: p.Arg204Cys; replaces arginine 204 with cysteine.
Molecular consequence: missense variant.
Genome position (GRCh38, 1-based): chr1:160,041,923, G>A on the plus strand (C>T on the coding strand, the complement: KCNJ10 is on the minus strand). VCF-style: chr1-160041923-G-A. GRCh37 (hg19) VCF-style: chr1-160011713-G-A.
Other names: short protein forms R204C.
Identifiers: ClinVar variation 1376863 (VCV001376863.3), dbSNP rs1345522131, ClinGen allele CA343226246.
Genomic context (GRCh38, chr1:160,041,923, plus strand): 5'-TGGTTTGGTGGGTCTGAAGCAGTTTTCCTGTCACCTGGCAGCCAATGAGGAGGCTTTTGC[G>A]CATATTGGCAACTCGGATCATGAGGCAGGGCTTGCCATTGTGGGAGGCCACAACTGCATG-3'
Protein context (NP_002232.2, residues 194-214): PCLMIRVANM[Arg204Cys]KSLLIGCQVT

ClinVar aggregate classification (germline): Uncertain significance (1 of 4 stars; one submission).

Conditions:
EAST syndrome (SESAMES). Also called: SEIZURES, SENSORINEURAL DEAFNESS, ATAXIA, IMPAIRED INTELLECTUAL DEVELOPMENT, AND ELECTROLYTE IMBALANCE. Identifiers: Orphanet 199343, MedGen C2748572, MONDO:0013005, OMIM 612780.

Allele frequency attached by ClinVar (database versions not stated): gnomAD exomes below 0.00001 and 0.00001; TOPMed below 0.00001.
gnomAD v4.1: 8 of 1,613,676 alleles (0.0005%); highest among the groups gnomAD compares: Admixed American, 0.0017%; no homozygotes.

Submission:

Labcorp Genetics (formerly Invitae), Labcorp
Classification: Uncertain significance for EAST syndrome. Last evaluated: 2022-11-01. Review status: criteria provided, single submitter. Criteria: Invitae Variant Classification Sherloc (09022015). Collection method: clinical testing. Allele origin: germline.
Comment: This sequence change replaces arginine, which is basic and polar, with cysteine, which is neutral and slightly polar, at codon 204 of the KCNJ10 protein (p.Arg204Cys). This variant is present in population databases (no rsID available, gnomAD 0.003%). This variant has not been reported in the literature in individuals affected with KCNJ10-related conditions. ClinVar contains an entry for this variant (Variation ID: 1376863). Advanced modeling of protein sequence and biophysical properties (such as structural, functional, and spatial information, amino acid conservation, physicochemical variation, residue mobility, and thermodynamic stability) performed at Invitae indicates that this missense variant is expected to disrupt KCNJ10 protein function. In summary, the available evidence is currently insufficient to determine the role of this variant in disease. Therefore, it has been classified as a Variant of Uncertain Significance.